The following is an entry in ClinVar:

NM_182914.3(SYNE2):c.20564T>G (p.Val6855Gly)

Gene: SYNE2 (spectrin repeat containing nuclear envelope protein 2; plus strand). Cytogenetic location: 14q23.2.
Variant type: single nucleotide variant.
Coding change: c.20564T>G on transcript NM_182914.3 (MANE Select); coding-DNA position 20564, T replaced by G.
Protein change: p.Val6855Gly; replaces valine 6855 with glycine.
Molecular consequence: missense variant.
Genome position (GRCh38, 1-based): chr14:64,225,366, T>G. VCF-style: chr14-64225366-T-G. GRCh37 (hg19) VCF-style: chr14-64692084-T-G.
Other names: c.20498T>G, p.Val6833Gly (NM_015180.6); c.1130T>G, p.Val377Gly (NM_182910.2); c.1511T>G, p.Val504Gly (NM_182913.4); short protein forms V377G, V504G, V6833G, V6855G.
Identifiers: ClinVar variation 3389334 (VCV003389334.14).

ClinVar aggregate classification (germline): Likely benign (1 of 4 stars; one submission).

gnomAD v4.1: 16 of 1,614,116 alleles (0.00099%); highest among the groups gnomAD compares: Non-Finnish European, 0.0014%; no homozygotes.

Submission:

CeGaT Center for Human Genetics Tuebingen
Classification: Likely benign. Last evaluated: 2024-10-01. Review status: criteria provided, single submitter. Criteria: CeGaT Center For Human Genetics Tuebingen Variant Classification Criteria Version 2. Collection method: clinical testing. Allele origin: germline. Affected: yes. Observed: 1 variant allele.
Comment: SYNE2: BP4, BS2